The following is an entry in ClinVar:

NM_152328.5(ADSS1):c.740C>T (p.Pro247Leu)

Gene: ADSS1 (adenylosuccinate synthase 1; plus strand). Cytogenetic location: 14q32.33.
Variant type: single nucleotide variant.
Coding change: c.740C>T on transcript NM_152328.5 (MANE Select); coding-DNA position 740, C replaced by T.
Protein change: p.Pro247Leu; replaces proline 247 with leucine.
Molecular consequence: missense variant.
Genome position (GRCh38, 1-based): chr14:104,741,190, C>T. VCF-style: chr14-104741190-C-T. GRCh37 (hg19) VCF-style: chr14-105207527-C-T.
Other names: c.125C>T, p.Pro42Leu (NM_001320424.1); c.869C>T, p.Pro290Leu (NM_199165.2); short protein forms P247L, P42L, P290L.
Identifiers: ClinVar variation 1932772 (VCV001932772.4), dbSNP rs140869903, ClinGen allele CA7373832.

ClinVar aggregate classification (germline): Uncertain significance (1 of 4 stars; one submission).

gnomAD v4.1: 6 of 1,612,130 alleles (0.00037%); highest among the groups gnomAD compares: East Asian, 0.0045%; no homozygotes.

Submission:

Labcorp Genetics (formerly Invitae), Labcorp
Classification: Uncertain significance. Last evaluated: 2024-10-17. Review status: criteria provided, single submitter. Criteria: Invitae Variant Classification Sherloc (09022015). Collection method: clinical testing. Allele origin: germline.
Comment: This sequence change replaces proline, which is neutral and non-polar, with leucine, which is neutral and non-polar, at codon 290 of the ADSSL1 protein (p.Pro290Leu). This variant is present in population databases (rs140869903, gnomAD 0.006%). This variant has not been reported in the literature in individuals affected with ADSSL1-related conditions. ClinVar contains an entry for this variant (Variation ID: 1932772). An algorithm developed to predict the effect of missense changes on protein structure and function (PolyPhen-2) suggests that this variant is likely to be disruptive. In summary, the available evidence is currently insufficient to determine the role of this variant in disease. Therefore, it has been classified as a Variant of Uncertain Significance.